The following is an entry in ClinVar:

NM_007078.3(LDB3):c.110A>T (p.Lys37Met)

Gene: LDB3 (LIM domain binding 3; plus strand). Cytogenetic location: 10q23.2.
Variant type: single nucleotide variant.
Coding change: c.110A>T on transcript NM_007078.3 (MANE Select); coding-DNA position 110, A replaced by T.
Protein change: p.Lys37Met; replaces lysine 37 with methionine.
Molecular consequence: missense variant.
Genome position (GRCh38, 1-based): chr10:86,679,383, A>T. VCF-style: chr10-86679383-A-T. GRCh37 (hg19) VCF-style: chr10-88439140-A-T.
Other names: c.110A>T, p.Lys37Met (NM_001080114.2, NM_001080115.2, NM_001080116.1 and 8 more transcripts); short protein forms K37M.
Identifiers: ClinVar variation 1373880 (VCV001373880.8), dbSNP rs2132360031, ClinGen allele CA377451067.

ClinVar aggregate classification (germline): Uncertain significance (1 of 4 stars; one submission).

Conditions:
Myofibrillar myopathy 4. Also called: Zaspopathy (type). Identifiers: Orphanet 98912, MedGen C4721886, MONDO:0012277, OMIM 609452.

Submission:

Labcorp Genetics (formerly Invitae), Labcorp
Classification: Uncertain significance for Myofibrillar myopathy 4. Last evaluated: 2021-05-26. Review status: criteria provided, single submitter. Criteria: Invitae Variant Classification Sherloc (09022015). Collection method: clinical testing. Allele origin: germline.
Comment: This sequence change replaces lysine with methionine at codon 37 of the LDB3 protein (p.Lys37Met). The lysine residue is moderately conserved and there is a moderate physicochemical difference between lysine and methionine. This variant is not present in population databases (ExAC no frequency). This variant has not been reported in the literature in individuals with LDB3-related conditions. Algorithms developed to predict the effect of missense changes on protein structure and function are either unavailable or do not agree on the potential impact of this missense change (SIFT: "Tolerated"; PolyPhen-2: "Probably Damaging"; Align-GVGD: "Class C0"). In summary, the available evidence is currently insufficient to determine the role of this variant in disease. Therefore, it has been classified as a Variant of Uncertain Significance.